The following is an entry in ClinVar:

ClinVar aggregate classification (germline): Uncertain significance. Review status: criteria provided, multiple submitters, no conflicts (2 of 4 stars). 2 submissions from 2 submitters: Uncertain significance (2). Last evaluated 2026-01-15.

Conditions:
ADAR-related disorder. Also called: ADAR-related disorders; ADAR-related condition.
Aicardi-Goutieres syndrome 6 (AGS6). Identifiers: Orphanet 51, MedGen C3539013, MONDO:0014007, OMIM 615010.
Symmetrical dyschromatosis of extremities (DSH). Also called: RETICULATE ACROPIGMENTATION OF DOHI; SYMMETRIC DYSCHROMATOSIS OF THE EXTREMITIES; DYSCHROMATOSIS SYMMETRICA HEREDITARIA 1; Dyschromatosis symmetrica hereditaria. Identifiers: Orphanet 41, MedGen C0406775, MONDO:0007483, OMIM 127400.

Allele frequency attached by ClinVar (database versions not stated): gnomAD 0.00009; TOPMed 0.00010; ESP Exome Variant Server 0.00031.
gnomAD v4.1: 25 of 1,614,120 alleles (0.0015%); highest among the groups gnomAD compares: African/African-American, 0.029%; no homozygotes.

Submissions (2):

Labcorp Genetics (formerly Invitae), Labcorp
Classification: Uncertain significance for Aicardi-Goutieres syndrome 6; Symmetrical dyschromatosis of extremities. Last evaluated: 2026-01-15. Review status: criteria provided, single submitter. Criteria: Invitae Variant Classification Sherloc (09022015). Collection method: clinical testing. Allele origin: germline.
Comment: This sequence change replaces aspartic acid, which is acidic and polar, with asparagine, which is neutral and polar, at codon 289 of the ADAR protein (p.Asp289Asn). This variant is present in population databases (rs372242904, gnomAD 0.03%). This variant has not been reported in the literature in individuals affected with ADAR-related conditions. ClinVar contains an entry for this variant (Variation ID: 1482340). Invitae Evidence Modeling of protein sequence and biophysical properties (such as structural, functional, and spatial information, amino acid conservation, physicochemical variation, residue mobility, and thermodynamic stability) indicates that this missense variant is not expected to disrupt ADAR protein function with a negative predictive value of 80%. In summary, the available evidence is currently insufficient to determine the role of this variant in disease. Therefore, it has been classified as a Variant of Uncertain Significance.

PreventionGenetics, part of Exact Sciences
Classification: Uncertain significance for ADAR-related condition. Last evaluated: 2025-07-24. Review status: criteria provided, single submitter. Criteria: ACMG Guidelines, 2015. Collection method: clinical testing. Allele origin: germline.
Comment: The ADAR c.865G>A variant is predicted to result in the amino acid substitution p.Asp289Asn. To our knowledge, this variant has not been reported in the literature. This variant is reported in 0.036% of alleles in individuals of African descent in gnomAD. At this time, the clinical significance of this variant is uncertain due to the absence of conclusive functional and genetic evidence.

NM_001111.5(ADAR):c.865G>A (p.Asp289Asn)

Gene: ADAR (adenosine deaminase RNA specific; minus strand). Cytogenetic location: 1q21.3.
Variant type: single nucleotide variant.
Coding change: c.865G>A on transcript NM_001111.5 (MANE Select); coding-DNA position 865, G replaced by A.
Protein change: p.Asp289Asn; replaces aspartic acid 289 with asparagine.
Molecular consequence: missense variant. On other transcripts: 5 prime UTR variant (6).
Genome position (GRCh38, 1-based): chr1:154,601,777, C>T on the plus strand (G>A on the coding strand, the complement: ADAR is on the minus strand). VCF-style: chr1-154601777-C-T. GRCh37 (hg19) VCF-style: chr1-154574253-C-T.
Other names: c.865G>A (NM_001111.4); c.-21G>A (NM_001365047.1, NM_001365048.1, NM_001365049.1 and 3 more transcripts); c.865G>A, p.Asp289Asn (NM_015840.4, NM_015841.4); c.892G>A, p.Asp298Asn (NM_001365045.1); short protein forms D289N, D298N.
Identifiers: ClinVar variation 1482340 (VCV001482340.7), dbSNP rs372242904, ClinGen allele CA1131626.